The following is an entry in ClinVar:

NM_000316.3(PTH1R):c.1724C>T (p.Ala575Val)

Gene: PTH1R (parathyroid hormone 1 receptor; plus strand). Cytogenetic location: 3p21.31.
Variant type: single nucleotide variant.
Coding change: c.1724C>T on transcript NM_000316.3 (MANE Select); coding-DNA position 1724, C replaced by T.
Protein change: p.Ala575Val; replaces alanine 575 with valine.
Molecular consequence: missense variant.
Genome position (GRCh38, 1-based): chr3:46,903,598, C>T. VCF-style: chr3-46903598-C-T. GRCh37 (hg19) VCF-style: chr3-46945088-C-T.
Other names: c.1724C>T, p.Ala575Val (NM_001184744.1); short protein forms A575V.
Identifiers: ClinVar variation 3655746 (VCV003655746.2).
Genomic context (GRCh38, chr3:46,903,598, plus strand): 5'-TGGCTGCTCCCAAGGACGATGGGTTCCTCAACGGCTCCTGCTCAGGCCTGGACGAGGAGG[C>T]CTCTGGGCCTGAGCGGCCACCTGCCCTGCTACAGGAAGAGTGGGAGACAGTCATGTGACC-3'
Protein context (NP_000307.1, residues 565-585): NGSCSGLDEE[Ala575Val]SGPERPPALL

ClinVar aggregate classification (germline): Uncertain significance (1 of 4 stars; one submission).

gnomAD v4.1: 2 of 1,613,430 alleles (0.00012%); highest among the groups gnomAD compares: Non-Finnish European, 0.00017%; no homozygotes.

Submission:

Labcorp Genetics (formerly Invitae), Labcorp
Classification: Uncertain significance. Last evaluated: 2024-07-23. Review status: criteria provided, single submitter. Criteria: Invitae Variant Classification Sherloc (09022015). Collection method: clinical testing. Allele origin: germline.
Comment: This sequence change replaces alanine, which is neutral and non-polar, with valine, which is neutral and non-polar, at codon 575 of the PTH1R protein (p.Ala575Val). This variant is not present in population databases (gnomAD no frequency). This variant has not been reported in the literature in individuals affected with PTH1R-related conditions. An algorithm developed to predict the effect of missense changes on protein structure and function (PolyPhen-2) suggests that this variant is likely to be tolerated. In summary, the available evidence is currently insufficient to determine the role of this variant in disease. Therefore, it has been classified as a Variant of Uncertain Significance.